The following is an entry in ClinVar:

NM_001040142.2(SCN2A):c.5317G>A (p.Ala1773Thr)

Gene: SCN2A (sodium voltage-gated channel alpha subunit 2; plus strand). Cytogenetic location: 2q24.3.
Variant type: single nucleotide variant.
Coding change: c.5317G>A on transcript NM_001040142.2 (MANE Select); coding-DNA position 5317, G replaced by A.
Protein change: p.Ala1773Thr; replaces alanine 1773 with threonine.
Molecular consequence: missense variant.
Genome position (GRCh38, 1-based): chr2:165,389,123, G>A. VCF-style: chr2-165389123-G-A. GRCh37 (hg19) VCF-style: chr2-166245633-G-A.
Other names: p.A1773T:GCG>ACG; NM_001040142.2(SCN2A):c.5317G>A; p.Ala1773Thr; c.5317G>A, p.Ala1773Thr (NM_001040143.2, NM_001371246.1, NM_001371247.1 and 1 more transcripts); c.5317G>A (NM_001040142.1); short protein forms A1773T.
Identifiers: ClinVar variation 207024 (VCV000207024.73), dbSNP rs796053162, ClinGen allele CA318033.

ClinVar aggregate classification (germline): Pathogenic. Review status: reviewed by expert panel (3 of 4 stars). 13 submissions from 13 submitters: Pathogenic (1). 12 of the submissions do not count toward it. Last evaluated 2023-05-09.

Conditions:
Complex neurodevelopmental disorder. Identifiers: Orphanet 528084, MedGen C5568766, MONDO:0100038.
SCN2A-related disorder. Also called: SCN2A-related condition; SCN2A-related disorders. Identifiers: MedGen CN382226, MONDO:1060245.
Developmental and epileptic encephalopathy, 11 (DEE11). Also called: Early infantile epileptic encephalopathy 11. Identifiers: Orphanet 1934, MedGen C3150987, MONDO:0013388, OMIM 613721.
Seizures, benign familial infantile, 3 (BFIS3). Also called: CONVULSIONS, BENIGN FAMILIAL INFANTILE, 3; Familial neonatal seizures. Identifiers: Orphanet 140927, Orphanet 306, MedGen C1843140, MONDO:0011904, OMIM 607745.
Inborn genetic diseases. Identifiers: MedGen C0950123, MeSH D030342.
West syndrome. Also called: Infantile epileptic spasms syndrome. Identifiers: Orphanet 3451, Orphanet 697160, MedGen C0037769, MONDO:0018097. Disease mechanism: loss of function.

Submissions 1 to 6 of 14:

ClinGen Epilepsy Sodium Channel Variant Curation Expert Panel, Clingen
Classification: Pathogenic for Complex neurodevelopmental disorder. Last evaluated: 2023-05-09. Review status: reviewed by expert panel. Criteria: ClinGen EpilepsySCN ACMG Specifications SCN2A V1.0.0. Collection method: curation. Allele origin: germline. Inheritance: Autosomal dominant inheritance.
Comment: The c.5317G>A (NM_001040142.2) variant in SCN2A is a missense variant predicted to cause substitution of Alanine by Threonine at amino acid 1773 (p.Ala1773Thr). This variant has been reported in 9 probands with complex neurodevelopmental disorder (PMIDs: 34758253, 33000761, 28947817, 29655203, 31440721, 31785789, 34469436, 32400968, 35431799), including as a de novo occurrence with confirmed parental relationships in 2 individual(s) (PMIDs: 31785789, 32400968) and as a de novo occurrence with assumed parental relationships in 2 individuals PMID: 33000761, 35431799). This variant is absent from gnomAD v2.1.1. Whole-cell patch-clamp recordings of voltage-gated Na+ currents in HEK293T cell in showed a significant hyperpolarizing shift in the voltage dependence of the activation curve and a depolarizing shift of steady-state fast inactivation accompanied by decreased current density indicating that this variant impacts protein function (PMIDs: 32400968, 32400968). This variant resides within a region of SCN2A that is defined as a mutational hotspot and/or critical functional domain by the ClinGen Epilepsy Sodium Channel VCEP (PM1). In summary, this variant meets the criteria to be classified as pathogenic for complex neurodevelopmental disorder based on the ACMG/AMP criteria applied, as specified by the ClinGen Epilepsy Sodium Channel VCEP: PS3, PS4, PS2, PM1, PM2_Supporting. (Epilepsy Sodium Channel VCEP specifications v1.0; approved 5/9/23).

Institute of Human Genetics, University of Leipzig Medical Center
Classification: Pathogenic for Developmental and epileptic encephalopathy, 11. Last evaluated: 2026-04-07. Review status: criteria provided, single submitter. Criteria: ACMG Guidelines, 2015. Collection method: clinical testing. Allele origin: de novo. Inheritance: Autosomal dominant inheritance. Affected: yes. Not counted in ClinVar's aggregate classification.
Comment: Criteria applied: PS1,PS2,PS3,PS4,PM5_STR,PM1,PM2_SUP,PP3

Broad Center for Mendelian Genomics, Broad Institute of MIT and Harvard
Classification: Likely pathogenic for Developmental and epileptic encephalopathy, 11. Last evaluated: 2026-03-02. Review status: criteria provided, single submitter. Criteria: ACMG Guidelines, 2015. Collection method: research. Allele origin: germline. Inheritance: Autosomal dominant inheritance. Not counted in ClinVar's aggregate classification.
Comment: The p.Ala1773Thr variant in SCN2A has been reported in at least 9 other individuals with developmental and epileptic encephalopathy 11 (PMID: 35431799, 32400968, 31785789, 33000761, 34758253, 34469436, 31440721, 29655203, 28947817), and was absent from large population studies. This variant has also been reported in ClinVar (Variation ID: 207024) and has been interpreted as pathogenic or likely pathogenic by several submitters. This variant was found to be de novo in 2 individuals with confirmed paternity and maternity (PMID: 32400968, 31785789), and is assumed de novo in 3 additional individuals, but maternity and paternity have not been confirmed (PMID: 35431799, 33000761, ClinVar SCV002012289.1). In vitro functional studies provide some evidence that the p.Ala1773Thr variant may slightly impact protein function (PMID: 32400968). However, these types of assays may not accurately represent biological function. Computational prediction tools and conservation analyses suggest that this variant may impact the protein, though this information is not predictive enough to determine pathogenicity. The number of missense variants reported in SCN2A in the general population is lower than expected, suggesting there is little benign variation in this gene and slightly increasing the possibility that a missense variant in this gene may not be tolerated. Two additional pathogenic variants, resulting in a different amino acid change at the same position, p.Ala1773Val and p.Ala1773Glu, have been reported in association with disease in ClinVar, slightly supporting that a change at this position may not be tolerated (Variation ID: 520893, 984900). In summary, although additional studies are required to fully establish its clinical significance, this variant is likely pathogenic for autosomal dominant developmental and epileptic encephalopathy 11. ACMG/AMP Criteria applied: PS2_moderate, PS4_moderate, PM5, PP2, PP3, PM2_supporting, PS3_supporting (Richards 2015).

Labcorp Genetics (formerly Invitae), Labcorp
Classification: Pathogenic for Seizures, benign familial infantile, 3; Developmental and epileptic encephalopathy, 11. Last evaluated: 2025-12-03. Review status: criteria provided, single submitter. Criteria: Invitae Variant Classification Sherloc (09022015). Collection method: clinical testing. Allele origin: germline. Not counted in ClinVar's aggregate classification.
Comment: This sequence change replaces alanine, which is neutral and non-polar, with threonine, which is neutral and polar, at codon 1773 of the SCN2A protein (p.Ala1773Thr). This variant is not present in population databases (gnomAD no frequency). This missense change has been observed in individual(s) with clinical features of developmental and epileptic encephalopathy (PMID: 32400968; internal data). In at least one individual the variant was observed to be de novo. ClinVar contains an entry for this variant (Variation ID: 207024). Invitae Evidence Modeling of protein sequence and biophysical properties (such as structural, functional, and spatial information, amino acid conservation, physicochemical variation, residue mobility, and thermodynamic stability) indicates that this missense variant is expected to disrupt SCN2A protein function with a positive predictive value of 95%. Experimental studies have shown that this missense change affects SCN2A function (PMID: 32400968). For these reasons, this variant has been classified as Pathogenic.

Victorian Clinical Genetics Services, Murdoch Childrens Research Institute
Classification: Pathogenic for Complex neurodevelopmental disorder. Last evaluated: 2024-10-28. Review status: criteria provided, single submitter. Criteria: ACMG Guidelines, 2015. Collection method: clinical testing. Allele origin: germline. Affected: yes. Not counted in ClinVar's aggregate classification.
Comment: This variant is classified as Pathogenic. Evidence in support of pathogenic classification: Variant is absent from gnomAD (v2, v3 and v4); This variant has strong previous evidence of pathogenicity in unrelated individuals. This variant is classified as pathogenic by the ClinGen Epilepsy Sodium Channel Variant Curation Expert Panel in ClinVar; Missense variant consistently predicted to be damaging by an in silico tool or highly conserved with a major amino acid change; Additional information: Variant is predicted to result in a missense amino acid change from alanine to threonine; This variant is heterozygous; This gene is associated with autosomal dominant disease; Loss of function and gain of function are known mechanisms of disease in this gene. Variants causing a gain of function result in developmental and epileptic encephalopathy 11 (MIM#613721) or benign familial infantile seizures 3 (MIM#607745), whereas variants causing loss of function result in autism spectrum disorder and/or intellectual disability, with or without childhood-onset seizures (OMIM, PMID: 29691040, 31904126).

3billion
Classification: Likely pathogenic for SCN2A-related disorder. Last evaluated: 2024-10-18. Review status: criteria provided, single submitter. Criteria: ACMG Guidelines, 2015. Collection method: clinical testing. Allele origin: germline. Affected: yes. Not counted in ClinVar's aggregate classification.
Comment: The variant is not observed in the gnomAD v4.1.0 dataset. Predicted Consequence/Location: Missense variant In silico tool predictions suggest damaging effect of the variant on gene or gene product [REVEL: 0.94 (>=0.6, sensitivity 0.68 and specificity 0.92); 3Cnet: 1.00 (>=0.6, sensitivity 0.72 and precision 0.9)]. The same nucleotide change resulting in the same amino acid change has been previously reported as pathogenic/likely pathogenic with strong evidence (ClinVar ID: VCV000207024 /PMID: 29655203 /3billion dataset). Different missense changes at the same codon (p.Ala1773Glu, p.Ala1773Val) have been reported as pathogenic/likely pathogenic with strong evidence (ClinVar ID: VCV000520893, VCV000984900). Therefore, this variant is classified as Likely pathogenic according to the recommendation of ACMG/AMP guideline.